The following is an entry in ClinVar:

ClinVar aggregate classification (germline): Uncertain significance. Review status: criteria provided, multiple submitters, no conflicts (2 of 4 stars). 2 submissions from 2 submitters: Uncertain significance (2). Last evaluated 2023-05-02.

Conditions:
Inborn genetic diseases. Identifiers: MedGen C0950123, MeSH D030342.
VSX1-related disorder. Also called: VSX1-related condition.

Allele frequency attached by ClinVar (database versions not stated): TOPMed 0.00002; gnomAD 0.00003; gnomAD exomes 0.00003.
gnomAD v4.1: 52 of 1,532,586 alleles (0.0034%); highest among the groups gnomAD compares: Non-Finnish European, 0.0043%; no homozygotes.

Submissions (2):

Ambry Genetics
Classification: Uncertain significance for Inborn genetic diseases. Last evaluated: 2023-05-02. Review status: criteria provided, single submitter. Criteria: Ambry Variant Classification Scheme 2023. Collection method: clinical testing. Allele origin: germline.

PreventionGenetics, part of Exact Sciences
Classification: Uncertain significance for VSX1-related condition. Last evaluated: 2022-09-21. Review status: criteria provided, single submitter. Criteria: ACMG Guidelines, 2015. Collection method: clinical testing. Allele origin: germline.
Comment: The VSX1 c.139G>A variant is predicted to result in the amino acid substitution p.Ala47Thr. To our knowledge, this variant has not been reported in the literature. This variant is reported in 0.0048% of alleles in individuals of European (Non-Finnish) descent in gnomAD. At this time, the clinical significance of this variant is uncertain due to the absence of conclusive functional and genetic evidence.

NM_014588.6(VSX1):c.139G>A (p.Ala47Thr)

Gene: VSX1 (visual system homeobox 1; minus strand). Cytogenetic location: 20p11.21.
Variant type: single nucleotide variant.
Coding change: c.139G>A on transcript NM_014588.6 (MANE Select); coding-DNA position 139, G replaced by A.
Protein change: p.Ala47Thr; replaces alanine 47 with threonine.
Molecular consequence: missense variant. On other transcripts: non-coding transcript variant (2).
Genome position (GRCh38, 1-based): chr20:25,081,958, C>T on the plus strand (G>A on the coding strand, the complement: VSX1 is on the minus strand). VCF-style: chr20-25081958-C-T. GRCh37 (hg19) VCF-style: chr20-25062594-C-T.
Other names: c.139G>A, p.Ala47Thr (NM_001256271.2, NM_001256272.2, NM_199425.3); c.139G>A (NM_014588.5); short protein forms A47T.
Identifiers: ClinVar variation 2514632 (VCV002514632.3), dbSNP rs966831301, ClinGen allele CA313664512.
Genomic context (GRCh38, chr20:25,081,958, plus strand): 5'-CCGGGCCCGGGCACGGCGCGACTGCCGGACCCTCGCAGCCAGATCCCTGTCCTGGGCCAG[C>T]GGGCGCCGGCAGCTCGGCCTCCAAGCCCAGCAGGTCCGTGATGGCGAAGCCCCGGGGGCG-3'
Protein context (NP_055403.2, residues 37-57): LGLEAELPAP[Ala47Thr]GPGQGSGCEG